The following is an entry in ClinVar:

NM_000051.4(ATM):c.8751C>G (p.Gly2917=)

Genes: ATM (ATM serine/threonine kinase; plus strand), C11orf65 (chromosome 11 open reading frame 65; minus strand). Cytogenetic location: 11q22.3.
Variant type: single nucleotide variant.
Coding change: c.8751C>G on transcript NM_000051.4 (MANE Select); coding-DNA position 8751, C replaced by G.
Protein change: p.Gly2917=; no amino-acid change (glycine 2917 retained).
Molecular consequence: synonymous variant. On other transcripts: intron variant (2).
Genome position (GRCh38, 1-based): chr11:108,353,845, C>G. VCF-style: chr11-108353845-C-G. GRCh37 (hg19) VCF-style: chr11-108224572-C-G.
Other names: c.8751C>G, p.Gly2917= (NM_001351834.2); c.640+32075G>C (NM_001330368.2); c.695-18553G>C (NM_001351110.2).
Identifiers: ClinVar variation 184323 (VCV000184323.15), dbSNP rs779858366, ClinGen allele CA188599.

ClinVar aggregate classification (germline): Benign/Likely benign. Review status: criteria provided, multiple submitters, no conflicts (2 of 4 stars). 3 submissions from 3 submitters: Benign (1); Likely benign (2). Last evaluated 2024-06-20.

Conditions:
Hereditary cancer-predisposing syndrome. Also called: Hereditary Cancer Syndrome; Tumor predisposition; Neoplastic Syndromes, Hereditary; Hereditary neoplastic syndrome. Identifiers: Orphanet 140162, MedGen C0027672, MeSH D009386, MONDO:0015356.
Familial cancer of breast. Also called: hereditary breast carcinoma; BREAST CANCER, FAMILIAL; Hereditary breast cancer. Identifiers: Orphanet 227535, MedGen C0346153, MONDO:0016419, OMIM 114480. Disease mechanism: loss of function.
Ataxia-telangiectasia syndrome (AT). Also called: ATAXIA-TELANGIECTASIA, COMPLEMENTATION GROUP A; ATAXIA-TELANGIECTASIA, FRESNO VARIANT; Ataxia-telangiectasia; Ataxia-telangiectasia, complementation group E; Cerebello-oculocutaneous telangiectasia; Immunodeficiency with ataxia telangiectasia. Identifiers: Orphanet 100, MedGen C0004135, MONDO:0008840, OMIM 208900.

Submissions (3):

Myriad Genetics, Inc.
Classification: Benign for Familial cancer of breast. Last evaluated: 2024-06-20. Review status: criteria provided, single submitter. Criteria: Myriad Autosomal Dominant, Autosomal Recessive and X-Linked Classification Criteria (2023). Collection method: clinical testing. Allele origin: unknown.
Comment: This variant is considered benign. This variant is a silent/synonymous amino acid change and it is not expected to impact splicing.

Labcorp Genetics (formerly Invitae), Labcorp
Classification: Likely benign for Ataxia-telangiectasia syndrome. Last evaluated: 2023-07-05. Review status: criteria provided, single submitter. Criteria: Invitae Variant Classification Sherloc (09022015). Collection method: clinical testing. Allele origin: germline.

Ambry Genetics
Classification: Likely benign for Hereditary cancer-predisposing syndrome. Last evaluated: 2016-06-19. Review status: criteria provided, single submitter. Criteria: Ambry Variant Classification Scheme 2023. Collection method: clinical testing. Allele origin: germline.